The following is an entry in ClinVar:

ClinVar aggregate classification (germline): Uncertain significance (1 of 4 stars; one submission).

Conditions:
Emery-Dreifuss muscular dystrophy 5, autosomal dominant (EDMD5). Also called: EMERY-DREIFUSS MUSCULAR DYSTROPHY 5. Identifiers: Orphanet 261, MedGen C2751805, MONDO:0013072, OMIM 612999.

Submission:

Labcorp Genetics (formerly Invitae), Labcorp
Classification: Uncertain significance for Emery-Dreifuss muscular dystrophy 5, autosomal dominant. Last evaluated: 2024-09-06. Review status: criteria provided, single submitter. Criteria: Invitae Variant Classification Sherloc (09022015). Collection method: clinical testing. Allele origin: germline.
Comment: This sequence change replaces glycine, which is neutral and non-polar, with alanine, which is neutral and non-polar, at codon 4721 of the SYNE2 protein (p.Gly4721Ala). This variant is not present in population databases (gnomAD no frequency). This variant has not been reported in the literature in individuals affected with SYNE2-related conditions. An algorithm developed to predict the effect of missense changes on protein structure and function outputs the following: PolyPhen-2: "Benign". The alanine amino acid residue is found in multiple mammalian species, which suggests that this missense change does not adversely affect protein function. In summary, the available evidence is currently insufficient to determine the role of this variant in disease. Therefore, it has been classified as a Variant of Uncertain Significance.

NM_182914.3(SYNE2):c.14162G>C (p.Gly4721Ala)

Gene: SYNE2 (spectrin repeat containing nuclear envelope protein 2; plus strand). Cytogenetic location: 14q23.2.
Variant type: single nucleotide variant.
Coding change: c.14162G>C on transcript NM_182914.3 (MANE Select); coding-DNA position 14162, G replaced by C.
Protein change: p.Gly4721Ala; replaces glycine 4721 with alanine.
Molecular consequence: missense variant.
Genome position (GRCh38, 1-based): chr14:64,130,070, G>C. VCF-style: chr14-64130070-G-C. GRCh37 (hg19) VCF-style: chr14-64596788-G-C.
Other names: c.14162G>C, p.Gly4721Ala (NM_015180.6); short protein forms G4721A.
Identifiers: ClinVar variation 3608942 (VCV003608942.2).